The following is an entry in ClinVar:

NM_198407.2(GHSR):c.131C>T (p.Ala44Val)

Gene: GHSR (growth hormone secretagogue receptor; minus strand). Cytogenetic location: 3q26.31.
Variant type: single nucleotide variant.
Coding change: c.131C>T on transcript NM_198407.2 (MANE Select); coding-DNA position 131, C replaced by T.
Protein change: p.Ala44Val; replaces alanine 44 with valine.
Molecular consequence: missense variant.
Genome position (GRCh38, 1-based): chr3:172,448,283, G>A on the plus strand (C>T on the coding strand, the complement: GHSR is on the minus strand). VCF-style: chr3-172448283-G-A. GRCh37 (hg19) VCF-style: chr3-172166073-G-A.
Other names: c.131C>T, p.Ala44Val (NM_004122.2); short protein forms A44V.
Identifiers: ClinVar variation 1928173 (VCV001928173.5), dbSNP rs202007365, ClinGen allele CA2706528.
Genomic context (GRCh38, chr3:172,448,283, plus strand): 5'-GTGAGCAGGTTGCCAGCGATGCCCACCACGAAGAGTGCCACGCAGGTGGCTGTGACGCCC[G>A]CCAGCAGCGGCGCGGGGAAGAGCTGCAGCAGCTCGTCGCCCAGCGAGTCGTTGCCGGGGG-3'
Protein context (NP_940799.1, residues 34-54): LLQLFPAPLL[Ala44Val]GVTATCVALF

ClinVar aggregate classification (germline): Uncertain significance (1 of 4 stars; one submission).

gnomAD v4.1: 9 of 1,612,668 alleles (0.00056%); highest among the groups gnomAD compares: Middle Eastern, 0.017%; no homozygotes.

Submission:

Labcorp Genetics (formerly Invitae), Labcorp
Classification: Uncertain significance. Last evaluated: 2023-03-08. Review status: criteria provided, single submitter. Criteria: Invitae Variant Classification Sherloc (09022015). Collection method: clinical testing. Allele origin: germline.
Comment: This sequence change replaces alanine, which is neutral and non-polar, with valine, which is neutral and non-polar, at codon 44 of the GHSR protein (p.Ala44Val). In summary, the available evidence is currently insufficient to determine the role of this variant in disease. Therefore, it has been classified as a Variant of Uncertain Significance. Advanced modeling of protein sequence and biophysical properties (such as structural, functional, and spatial information, amino acid conservation, physicochemical variation, residue mobility, and thermodynamic stability) performed at Invitae indicates that this missense variant is not expected to disrupt GHSR protein function. ClinVar contains an entry for this variant (Variation ID: 1928173). This variant has not been reported in the literature in individuals affected with GHSR-related conditions. This variant is present in population databases (rs202007365, gnomAD 0.003%).